The following is an entry in ClinVar:

NM_015937.6(PIGT):c.1646G>T (p.Arg549Leu)

Gene: PIGT (phosphatidylinositol glycan anchor biosynthesis class T; plus strand). Cytogenetic location: 20q13.12.
Variant type: single nucleotide variant.
Coding change: c.1646G>T on transcript NM_015937.6 (MANE Select); coding-DNA position 1646, G replaced by T.
Protein change: p.Arg549Leu; replaces arginine 549 with leucine.
Molecular consequence: missense variant. On other transcripts: non-coding transcript variant (5).
Genome position (GRCh38, 1-based): chr20:45,425,735, G>T. VCF-style: chr20-45425735-G-T. GRCh37 (hg19) VCF-style: chr20-44054375-G-T.
Other names: c.1478G>T, p.Arg493Leu (NM_001184728.3); c.1445G>T, p.Arg482Leu (NM_001184729.3); c.1340G>T, p.Arg447Leu (NM_001184730.3); short protein forms R447L, R482L, R493L, R549L.
Identifiers: ClinVar variation 4076801 (VCV004076801.1).

ClinVar aggregate classification (germline): Uncertain significance (1 of 4 stars; one submission).

gnomAD v4.1: 14 of 1,614,110 alleles (0.00087%); highest among the groups gnomAD compares: Non-Finnish European, 0.0012%; no homozygotes.

Submission:

GeneDx
Classification: Uncertain significance. Last evaluated: 2025-02-23. Review status: criteria provided, single submitter. Criteria: GeneDx Variant Classification Process June 2021. Collection method: clinical testing. Allele origin: germline. Affected: yes.
Comment: Not observed at significant frequency in large population cohorts (gnomAD); In silico analysis supports that this missense variant has a deleterious effect on protein structure/function; Has not been previously published as pathogenic or benign to our knowledge